The following is an entry in ClinVar:

NM_024528.4(NKAP):c.670A>G (p.Ser224Gly)

Gene: NKAP (NFKB activating protein; minus strand). Cytogenetic location: Xq24.
Variant type: single nucleotide variant.
Coding change: c.670A>G on transcript NM_024528.4 (MANE Select); coding-DNA position 670, A replaced by G.
Protein change: p.Ser224Gly; replaces serine 224 with glycine.
Molecular consequence: missense variant.
Genome position (GRCh38, 1-based): chrX:119,936,300, T>C on the plus strand (A>G on the coding strand, the complement: NKAP is on the minus strand). VCF-style: chrX-119936300-T-C. GRCh37 (hg19) VCF-style: chrX-119070263-T-C.
Other names: short protein forms S224G.
Identifiers: ClinVar variation 4120209 (VCV004120209.2).
Genomic context (GRCh38, chrX:119,936,300, plus strand): 5'-TTAAGAAGTAAAACTAGTTTTGAAGCAAGGCTTGCAGAATGCTGTTGGCGTTCTTACCAC[T>C]GGAGTCTGTTTCAGAATCAGAGTCACTGTCGCTATCTTCAGAATACTTCTTATGTTTTCT-3'
Protein context (NP_078804.2, residues 214-234): DSDSDSETDS[Ser224Gly]DEDNKRRAKK

ClinVar aggregate classification (germline): Likely benign. Review status: criteria provided, multiple submitters, no conflicts (2 of 4 stars). 2 submissions from 2 submitters: Likely benign (2). Last evaluated 2026-08-01.

Conditions:
Inborn genetic diseases. Identifiers: MedGen C0950123, MeSH D030342.

gnomAD v4.1: 24 of 1,204,667 alleles (0.002%); highest among the groups gnomAD compares: Admixed American, 0.042%; no homozygotes.

Submissions (2):

CeGaT Center for Human Genetics Tuebingen
Classification: Likely benign. Last evaluated: 2026-08-01. Review status: criteria provided, single submitter. Criteria: CeGaT Center For Human Genetics Tuebingen Variant Classification Criteria Version 2. Collection method: clinical testing. Allele origin: germline. Affected: yes. Observed: 1 variant allele.
Comment: NKAP: BS2

Ambry Genetics
Classification: Likely benign for Inborn genetic diseases. Last evaluated: 2025-09-11. Review status: criteria provided, single submitter. Criteria: Ambry Variant Classification Scheme 2023. Collection method: clinical testing. Allele origin: germline.